The following is an entry in ClinVar:

ClinVar aggregate classification (germline): Uncertain significance. Review status: criteria provided, multiple submitters, no conflicts (2 of 4 stars). 3 submissions from 3 submitters: Uncertain significance (3). Last evaluated 2025-11-19.

Conditions:
EGFR-related lung cancer (EGFR). Identifiers: MedGen CN130014.
Hereditary cancer-predisposing syndrome. Also called: Neoplastic Syndromes, Hereditary; Tumor predisposition; Hereditary neoplastic syndrome; Hereditary Cancer Syndrome. Identifiers: Orphanet 140162, MedGen C0027672, MeSH D009386, MONDO:0015356.

Allele frequency attached by ClinVar (database versions not stated): gnomAD exomes below 0.00001; TOPMed 0.00001.
gnomAD v4.1: 3 of 1,614,206 alleles (0.00019%); highest among the groups gnomAD compares: African/African-American, 0.004%; no homozygotes.

Submissions (3):

Dasa
Classification: Uncertain significance. Last evaluated: 2025-11-19. Review status: criteria provided, single submitter. Criteria: DASA Assertion Criteria. Collection method: clinical testing. Allele origin: germline.
Comment: NM_005228.5(EGFR):c.1903G>A (p.Gly635Ser) is a missense variant that results in the substitution of glycine with serine. This variant is rare in population databases. Computational prediction algorithms are consistent with a benign effect. The currently available literature and clinical evidence are not sufficient to establish a definitive association between this variant and the reported condition. Therefore, this variant is classified as a variant of uncertain significance.

Ambry Genetics
Classification: Uncertain significance for Hereditary cancer-predisposing syndrome. Last evaluated: 2025-07-31. Review status: criteria provided, single submitter. Criteria: Ambry Variant Classification Scheme 2023. Collection method: clinical testing. Allele origin: germline.
Comment: The p.G635S variant (also known as c.1903G>A), located in coding exon 16 of the EGFR gene, results from a G to A substitution at nucleotide position 1903. The glycine at codon 635 is replaced by serine, an amino acid with similar properties. This amino acid position is conserved. In addition, this alteration is predicted to be tolerated by in silico analysis. Based on the available evidence, the clinical significance of this variant remains unclear.

Labcorp Genetics (formerly Invitae), Labcorp
Classification: Uncertain significance for EGFR-related lung cancer. Last evaluated: 2025-05-22. Review status: criteria provided, single submitter. Criteria: Invitae Variant Classification Sherloc (09022015). Collection method: clinical testing. Allele origin: germline.
Comment: This sequence change replaces glycine, which is neutral and non-polar, with serine, which is neutral and polar, at codon 635 of the EGFR protein (p.Gly635Ser). This variant is present in population databases (no rsID available, gnomAD 0.007%). This variant has not been reported in the literature in individuals affected with EGFR-related conditions. ClinVar contains an entry for this variant (Variation ID: 2413829). Invitae Evidence Modeling of protein sequence and biophysical properties (such as structural, functional, and spatial information, amino acid conservation, physicochemical variation, residue mobility, and thermodynamic stability) indicates that this missense variant is not expected to disrupt EGFR protein function with a negative predictive value of 80%. In summary, the available evidence is currently insufficient to determine the role of this variant in disease. Therefore, it has been classified as a Variant of Uncertain Significance.

NM_005228.5(EGFR):c.1903G>A (p.Gly635Ser)

Gene: EGFR (epidermal growth factor receptor; plus strand). Cytogenetic location: 7p11.2.
Variant type: single nucleotide variant.
Coding change: c.1903G>A on transcript NM_005228.5 (MANE Select); coding-DNA position 1903, G replaced by A.
Protein change: p.Gly635Ser; replaces glycine 635 with serine.
Molecular consequence: missense variant.
Genome position (GRCh38, 1-based): chr7:55,171,197, G>A. VCF-style: chr7-55171197-G-A. GRCh37 (hg19) VCF-style: chr7-55238890-G-A.
Other names: c.1768G>A, p.Gly590Ser (NM_001346897.2, NM_001346899.2); c.1903G>A, p.Gly635Ser (NM_001346898.2); c.1744G>A, p.Gly582Ser (NM_001346900.2); c.1102G>A, p.Gly368Ser (NM_001346941.2); short protein forms G368S, G582S, G590S, G635S.
Identifiers: ClinVar variation 2413829 (VCV002413829.9), dbSNP rs957617087, ClinGen allele CA158929703.
Genomic context (GRCh38, chr7:55,171,197, plus strand): 5'-AATGAGAAAAATGTATATTTCTCTTTCACTTCCTACAGATGCACTGGGCCAGGTCTTGAA[G>A]GCTGTCCAACGAATGGGTAAGTGTTCACAGCTCTGTGTCACATGGACCTCGTCAAGAATG-3'
Protein context (NP_005219.2, residues 625-645): TYGCTGPGLE[Gly635Ser]CPTNGPKIPS